The following is an entry in ClinVar:

ClinVar aggregate classification (germline): Uncertain significance (1 of 4 stars; one submission).

Conditions:
Familial thoracic aortic aneurysm and aortic dissection (TAAD). Also called: Thoracic aortic aneurysms and dissections. Identifiers: Orphanet 91387, MedGen C4707243, MONDO:0019625.

Allele frequency attached by ClinVar (database versions not stated): TOPMed below 0.00001; ExAC 0.00002.
gnomAD v4.1: 2 of 1,614,178 alleles (0.00012%); highest among the groups gnomAD compares: East Asian, 0.0045%; no homozygotes.

Submission:

Ambry Genetics
Classification: Uncertain significance for Familial thoracic aortic aneurysm and aortic dissection. Last evaluated: 2023-07-15. Review status: criteria provided, single submitter. Criteria: Ambry Variant Classification Scheme 2023. Collection method: clinical testing. Allele origin: germline.
Comment: The p.V615M variant (also known as c.1843G>A), located in coding exon 11 of the MYLK gene, results from a G to A substitution at nucleotide position 1843. The valine at codon 615 is replaced by methionine, an amino acid with highly similar properties. This amino acid position is poorly conserved in available vertebrate species. In addition, this alteration is predicted to be tolerated by in silico analysis. Since supporting evidence is limited at this time, the clinical significance of this alteration remains unclear.

NM_053025.4(MYLK):c.1843G>A (p.Val615Met)

Gene: MYLK (myosin light chain kinase; minus strand). Cytogenetic location: 3q21.1.
Variant type: single nucleotide variant.
Coding change: c.1843G>A on transcript NM_053025.4 (MANE Select); coding-DNA position 1843, G replaced by A.
Protein change: p.Val615Met; replaces valine 615 with methionine.
Molecular consequence: missense variant.
Genome position (GRCh38, 1-based): chr3:123,709,855, C>T on the plus strand (G>A on the coding strand, the complement: MYLK is on the minus strand). VCF-style: chr3-123709855-C-T. GRCh37 (hg19) VCF-style: chr3-123428702-C-T.
Other names: c.1315G>A, p.Val439Met (NM_001321309.2); c.1636G>A, p.Val546Met (NM_053026.4, NM_053028.4); c.1843G>A, p.Val615Met (NM_053027.4); short protein forms V546M, V615M, V439M.
Identifiers: ClinVar variation 1781202 (VCV001781202.3), dbSNP rs760679725, ClinGen allele CA067628.
Genomic context (GRCh38, chr3:123,709,855, plus strand): 5'-TGACTTTGAGATCAGAGAGGCCCTGCAGGAAGATGGGTGCAGTGGGCTTGCTGGGAGCCA[C>T]AGGCAGAAGGTACTCACTCTTCCTGCTACTCTTCTTTTCTGTGTGGTAGAAAACAGAACG-3'
Protein context (NP_444253.3, residues 605-625): SSRKSEYLLP[Val615Met]APSKPTAPIF